The following is an entry in ClinVar:

ClinVar aggregate classification (germline): Uncertain significance (1 of 4 stars; one submission).

Conditions:
Cardiovascular phenotype. Identifiers: MedGen CN230736.

Allele frequency attached by ClinVar (database versions not stated): gnomAD exomes below 0.00001; TOPMed 0.00001.
gnomAD v4.1: 6 of 1,581,180 alleles (0.00038%); highest among the groups gnomAD compares: East Asian, 0.0068%; no homozygotes.

Submission:

Ambry Genetics
Classification: Uncertain significance for Cardiovascular phenotype. Last evaluated: 2023-07-21. Review status: criteria provided, single submitter. Criteria: Ambry Variant Classification Scheme 2023. Collection method: clinical testing. Allele origin: germline.
Comment: The p.P554L variant (also known as c.1661C>T), located in coding exon 4 of the JPH2 gene, results from a C to T substitution at nucleotide position 1661. The proline at codon 554 is replaced by leucine, an amino acid with similar properties. This amino acid position is conserved. In addition, this alteration is predicted to be tolerated by in silico analysis. Since supporting evidence is limited at this time, the clinical significance of this alteration remains unclear.

NM_020433.5(JPH2):c.1661C>T (p.Pro554Leu)

Gene: JPH2 (junctophilin 2; minus strand). Cytogenetic location: 20q13.12.
Variant type: single nucleotide variant.
Coding change: c.1661C>T on transcript NM_020433.5 (MANE Select); coding-DNA position 1661, C replaced by T.
Protein change: p.Pro554Leu; replaces proline 554 with leucine.
Molecular consequence: missense variant.
Genome position (GRCh38, 1-based): chr20:44,116,014, G>A on the plus strand (C>T on the coding strand, the complement: JPH2 is on the minus strand). VCF-style: chr20-44116014-G-A. GRCh37 (hg19) VCF-style: chr20-42744654-G-A.
Other names: short protein forms P554L.
Identifiers: ClinVar variation 2586443 (VCV002586443.2), dbSNP rs777795267, ClinGen allele CA9868644.